The following is an entry in ClinVar:

NM_032043.3(BRIP1):c.2586A>G (p.Lys862=)

Gene: BRIP1 (BRCA1 interacting DNA helicase 1; minus strand). Cytogenetic location: 17q23.2.
Variant type: single nucleotide variant.
Coding change: c.2586A>G on transcript NM_032043.3 (MANE Select); coding-DNA position 2586, A replaced by G.
Protein change: p.Lys862=; no amino-acid change (lysine 862 retained).
Molecular consequence: synonymous variant.
Genome position (GRCh38, 1-based): chr17:61,686,155, T>C on the plus strand (A>G on the coding strand, the complement: BRIP1 is on the minus strand). VCF-style: chr17-61686155-T-C. GRCh37 (hg19) VCF-style: chr17-59763516-T-C.
Identifiers: ClinVar variation 821526 (VCV000821526.14), dbSNP rs745318756, ClinGen allele CA292268235.

ClinVar aggregate classification (germline): Benign/Likely benign. Review status: criteria provided, multiple submitters, no conflicts (2 of 4 stars). 4 submissions from 4 submitters: Benign (1); Likely benign (3). Last evaluated 2024-09-05.

Conditions:
Familial cancer of breast. Also called: Hereditary breast cancer; hereditary breast carcinoma; BREAST CANCER, FAMILIAL. Identifiers: Orphanet 227535, MedGen C0346153, MONDO:0016419, OMIM 114480. Disease mechanism: loss of function.
Fanconi anemia complementation group J. Also called: BRIP1-Related Fanconi Anemia. Identifiers: Orphanet 84, MedGen C1836860, MONDO:0012187, OMIM 609054.
Hereditary cancer-predisposing syndrome. Also called: Hereditary Cancer Syndrome; Neoplastic Syndromes, Hereditary; Hereditary neoplastic syndrome; Tumor predisposition. Identifiers: Orphanet 140162, MedGen C0027672, MeSH D009386, MONDO:0015356.

Allele frequency attached by ClinVar (database versions not stated): gnomAD exomes below 0.00001; TOPMed below 0.00001.
gnomAD v4.1: 5 of 1,614,056 alleles (0.00031%); highest among the groups gnomAD compares: Non-Finnish European, 0.00042%; no homozygotes.

Submissions (4):

Myriad Genetics, Inc.
Classification: Benign for Familial cancer of breast. Last evaluated: 2024-09-05. Review status: criteria provided, single submitter. Criteria: Myriad Autosomal Dominant, Autosomal Recessive and X-Linked Classification Criteria (2023). Collection method: clinical testing. Allele origin: unknown.
Comment: This variant is considered benign. This variant is a silent/synonymous amino acid change and it is not expected to impact splicing.

Labcorp Genetics (formerly Invitae), Labcorp
Classification: Likely benign for Familial cancer of breast; Fanconi anemia complementation group J. Last evaluated: 2024-09-03. Review status: criteria provided, single submitter. Criteria: Invitae Variant Classification Sherloc (09022015). Collection method: clinical testing. Allele origin: germline.

Color Diagnostics, LLC DBA Color Health
Classification: Likely benign for Hereditary cancer-predisposing syndrome. Last evaluated: 2019-08-02. Review status: criteria provided, single submitter. Criteria: ACMG Guidelines, 2015. Collection method: clinical testing. Allele origin: germline.

Ambry Genetics
Classification: Likely benign for Hereditary cancer-predisposing syndrome. Last evaluated: 2019-01-18. Review status: criteria provided, single submitter. Criteria: Ambry Variant Classification Scheme 2023. Collection method: clinical testing. Allele origin: germline.